The following is an entry in ClinVar:

ClinVar aggregate classification (germline): Pathogenic. Review status: criteria provided, multiple submitters, no conflicts (2 of 4 stars). 3 submissions from 3 submitters: Pathogenic (3). Last evaluated 2023-03-28.

Conditions:
Hereditary nonpolyposis colorectal neoplasms. Identifiers: MedGen C0009405, MeSH D003123.
Hereditary cancer-predisposing syndrome. Also called: Neoplastic Syndromes, Hereditary; Tumor predisposition; Hereditary Cancer Syndrome; Hereditary neoplastic syndrome. Identifiers: Orphanet 140162, MedGen C0027672, MeSH D009386, MONDO:0015356.
Lynch syndrome 5 (LYNCH5). Also called: Colorectal cancer, hereditary nonpolyposis, type 5; Hereditary non-polyposis colorectal cancer, type 5. Identifiers: Orphanet 144, MedGen C1833477, MONDO:0013710, OMIM 614350. Disease mechanism: loss of function.

Submissions (3):

Myriad Genetics, Inc.
Classification: Pathogenic for Lynch syndrome 5. Last evaluated: 2023-03-28. Review status: criteria provided, single submitter. Criteria: Myriad Autosomal Dominant, Autosomal Recessive and X-Linked Classification Criteria (2023). Collection method: clinical testing. Allele origin: unknown.
Comment: This variant is considered pathogenic. This variant creates a frameshift predicted to result in premature protein truncation.

Labcorp Genetics (formerly Invitae), Labcorp
Classification: Pathogenic for Hereditary nonpolyposis colorectal neoplasms. Last evaluated: 2021-02-06. Review status: criteria provided, single submitter. Criteria: Invitae Variant Classification Sherloc (09022015). Collection method: clinical testing. Allele origin: germline.
Comment: This variant has not been reported in the literature in individuals with MSH6-related conditions. This sequence change creates a premature translational stop signal (p.Ile1283Tyrfs*5) in the MSH6 gene. It is expected to result in an absent or disrupted protein product. Loss-of-function variants in MSH6 are known to be pathogenic (PMID: 18269114, 24362816). This variant is not present in population databases (ExAC no frequency). For these reasons, this variant has been classified as Pathogenic.

Ambry Genetics
Classification: Pathogenic for Hereditary cancer-predisposing syndrome. Last evaluated: 2018-10-31. Review status: criteria provided, single submitter. Criteria: Ambry Variant Classification Scheme 2023. Collection method: clinical testing. Allele origin: germline.
Comment: The c.3847_3848delAT pathogenic mutation, located in coding exon 9 of the MSH6 gene, results from a deletion of two nucleotides at nucleotide positions 3847 to 3848, causing a translational frameshift with a predicted alternate stop codon (p.I1283Yfs*5). This alteration is expected to result in loss of function by premature protein truncation or nonsense-mediated mRNA decay. As such, this alteration is interpreted as a disease-causing mutation.

Literature cited by the submitters: PubMed 18269114 (cited by Labcorp Genetics (formerly Invitae), Labcorp); PubMed 24362816 (cited by Labcorp Genetics (formerly Invitae), Labcorp).

NM_000179.3(MSH6):c.3847_3848del (p.Ile1283fs)

Gene: MSH6 (mutS homolog 6; plus strand). Cytogenetic location: 2p16.3.
Variant type: Deletion.
Coding change: c.3847_3848del on transcript NM_000179.3 (MANE Select); coding-DNA positions 3847 to 3848, 2 bases deleted (AT; older notation c.3847_3848delAT).
Protein change: p.Ile1283fs; shifts the reading frame from isoleucine 1283.
Molecular consequence: frameshift variant.
Genome position (GRCh38, 1-based): chr2:47,806,497-47,806,498, AT deleted; deleting any 2 consecutive bases within chr2:47,806,496-47,806,498 gives the same sequence; the c. name uses the placement nearest the transcript's 3' end. VCF-style (leftmost placement, unchanged base first): chr2-47806495-CTA-C. GRCh37 (hg19) VCF-style: chr2-48033634-CTA-C.
Other names: c.3457_3458del, p.Ile1153fs (NM_001281492.2); c.2941_2942del, p.Ile981fs (NM_001281493.2, NM_001281494.2); short protein forms I1153fs, I1283fs, I981fs.
Identifiers: ClinVar variation 1735471 (VCV001735471.6), dbSNP rs2530859748, ClinGen allele CA2580067395.